The following is an entry in ClinVar:

ClinVar aggregate classification (germline): Likely benign (0 of 4 stars; one submission).

Conditions:
PKD1L1-related disorder. Also called: PKD1L1-related condition.

Allele frequency attached by ClinVar (database versions not stated): gnomAD 0.00001; TOPMed 0.00002; 1000 Genomes Project 30x 0.00016; 1000 Genomes Project 0.00020.
gnomAD v4.1: 20 of 1,613,188 alleles (0.0012%); highest among the groups gnomAD compares: South Asian, 0.0088%; no homozygotes.

Submission:

PreventionGenetics, part of Exact Sciences
Classification: Likely benign for PKD1L1-related condition. Last evaluated: 2024-01-05. Review status: no assertion criteria provided. Collection method: clinical testing. Allele origin: germline.
Comment: This variant is classified as likely benign based on ACMG/AMP sequence variant interpretation guidelines (Richards et al. 2015 PMID: 25741868, with internal and published modifications).

NM_138295.5(PKD1L1):c.753G>A (p.Pro251=)

Gene: PKD1L1 (polycystin 1 like 1, transient receptor potential channel interacting; minus strand). Cytogenetic location: 7p12.3.
Variant type: single nucleotide variant.
Coding change: c.753G>A on transcript NM_138295.5 (MANE Select); coding-DNA position 753, G replaced by A.
Protein change: p.Pro251=; no amino-acid change (proline 251 retained).
Molecular consequence: synonymous variant.
Genome position (GRCh38, 1-based): chr7:47,929,511, C>T on the plus strand (G>A on the coding strand, the complement: PKD1L1 is on the minus strand). VCF-style: chr7-47929511-C-T. GRCh37 (hg19) VCF-style: chr7-47969108-C-T.
Identifiers: ClinVar variation 3033909 (VCV003033909.2), dbSNP rs574059167, ClinGen allele CA4254236.